The following is an entry in ClinVar:

ClinVar aggregate classification (germline): Uncertain significance. Review status: criteria provided, multiple submitters, no conflicts (2 of 4 stars). 3 submissions from 3 submitters: Uncertain significance (3). Last evaluated 2025-11-17.

Conditions:
Sjögren-Larsson syndrome (SLS). Also called: FALDH DEFICIENCY; FATTY ALCOHOL:NAD+ OXIDOREDUCTASE DEFICIENCY; FATTY ALDEHYDE DEHYDROGENASE DEFICIENCY; ICHTHYOSIS, SPASTIC NEUROLOGIC DISORDER, AND OLIGOPHRENIA. Identifiers: Orphanet 816, MedGen C0037231, MONDO:0010031, OMIM 270200.

Allele frequency attached by ClinVar (database versions not stated): TOPMed below 0.00001; gnomAD 0.00001; gnomAD exomes 0.00010; ExAC 0.00023.
gnomAD v4.1: 48 of 1,583,758 alleles (0.003%); highest among the groups gnomAD compares: South Asian, 0.039%; no homozygotes.

Submissions (3):

Labcorp Genetics (formerly Invitae), Labcorp
Classification: Uncertain significance. Last evaluated: 2025-11-17. Review status: criteria provided, single submitter. Criteria: Invitae Variant Classification Sherloc (09022015). Collection method: clinical testing. Allele origin: germline.
Comment: This sequence change replaces phenylalanine, which is neutral and non-polar, with serine, which is neutral and polar, at codon 22 of the ALDH3A2 protein (p.Phe22Ser). This variant is present in population databases (rs751631165, gnomAD 0.06%). This variant has not been reported in the literature in individuals affected with ALDH3A2-related conditions. ClinVar contains an entry for this variant (Variation ID: 1426070). Invitae Evidence Modeling of protein sequence and biophysical properties (such as structural, functional, and spatial information, amino acid conservation, physicochemical variation, residue mobility, and thermodynamic stability) has been performed for this missense variant. However, the output from this modeling did not meet the statistical confidence thresholds required to predict the impact of this variant on ALDH3A2 protein function. In summary, the available evidence is currently insufficient to determine the role of this variant in disease. Therefore, it has been classified as a Variant of Uncertain Significance.

Blueprint Genetics
Classification: Uncertain significance. Last evaluated: 2024-06-26. Review status: criteria provided, single submitter. Criteria: ACMG Guidelines, 2015. Collection method: clinical testing. Allele origin: germline.

Fulgent Genetics
Classification: Uncertain significance for Sjögren-Larsson syndrome. Last evaluated: 2021-07-24. Review status: criteria provided, single submitter. Criteria: ACMG Guidelines, 2015. Collection method: clinical testing. Allele origin: unknown.

NM_000382.3(ALDH3A2):c.65T>C (p.Phe22Ser)

Gene: ALDH3A2 (aldehyde dehydrogenase 3 family member A2; plus strand). Cytogenetic location: 17p11.2.
Variant type: single nucleotide variant.
Coding change: c.65T>C on transcript NM_000382.3 (MANE Select); coding-DNA position 65, T replaced by C.
Protein change: p.Phe22Ser; replaces phenylalanine 22 with serine.
Molecular consequence: missense variant. On other transcripts: 5 prime UTR variant (1).
Genome position (GRCh38, 1-based): chr17:19,649,036, T>C. VCF-style: chr17-19649036-T-C. GRCh37 (hg19) VCF-style: chr17-19552349-T-C.
Other names: c.65T>C, p.Phe22Ser (NM_001031806.2, NM_001369136.1, NM_001369137.2 and 3 more transcripts); c.-624T>C (NM_001369148.2); short protein forms F22S.
Identifiers: ClinVar variation 1426070 (VCV001426070.6), dbSNP rs751631165, ClinGen allele CA8442707.